The following is an entry in ClinVar:

NM_020163.3(SEMA3G):c.2074C>T (p.Pro692Ser)

Gene: SEMA3G (semaphorin 3G; minus strand). Cytogenetic location: 3p21.1.
Variant type: single nucleotide variant.
Coding change: c.2074C>T on transcript NM_020163.3 (MANE Select); coding-DNA position 2074, C replaced by T.
Protein change: p.Pro692Ser; replaces proline 692 with serine.
Molecular consequence: missense variant.
Genome position (GRCh38, 1-based): chr3:52,435,878, G>A on the plus strand (C>T on the coding strand, the complement: SEMA3G is on the minus strand). VCF-style: chr3-52435878-G-A. GRCh37 (hg19) VCF-style: chr3-52469894-G-A.
Other names: short protein forms P692S.
Identifiers: ClinVar variation 3047387 (VCV003047387.2), dbSNP rs200593686, ClinGen allele CA2437727.
Genomic context (GRCh38, chr3:52,435,878, plus strand): 5'-GCAGGATGTCCTTGTACCAGGCCTTGGGTGGGGTGGAAGCCAGGCCTCCCCGGGCTGGGG[G>A]CTCCTCTGGCTTTGGCTCCGGAGGGAACAGGTTGTCCAGCTGTGAGGCCACAATCACCAC-3'
Protein context (NP_064548.1, residues 682-702): LFPPEPKPEE[Pro692Ser]PARGGLASTP

ClinVar aggregate classification (germline): Uncertain significance (0 of 4 stars; one submission).

Conditions:
SEMA3G-related disorder. Also called: SEMA3G-related condition.

Allele frequency attached by ClinVar (database versions not stated): gnomAD 0.00007; gnomAD exomes 0.00009; ExAC 0.00012; ESP Exome Variant Server 0.00031.
gnomAD v4.1: 145 of 1,613,996 alleles (0.009%); highest among the groups gnomAD compares: Non-Finnish European, 0.011%; no homozygotes.

Submission:

PreventionGenetics, part of Exact Sciences
Classification: Uncertain significance for SEMA3G-related condition. Last evaluated: 2024-02-23. Review status: no assertion criteria provided. Collection method: clinical testing. Allele origin: germline.
Comment: The SEMA3G c.2074C>T variant is predicted to result in the amino acid substitution p.Pro692Ser. To our knowledge, this variant has not been reported in the literature. This variant is reported in 0.021% of alleles in individuals of European (Non-Finnish) descent in gnomAD. At this time, the clinical significance of this variant is uncertain due to the absence of conclusive functional and genetic evidence.